The following is an entry in ClinVar:

NM_000026.4(ADSL):c.793-3C>T

Gene: ADSL (adenylosuccinate lyase; plus strand). Cytogenetic location: 22q13.1.
Variant type: single nucleotide variant.
Coding change: c.793-3C>T on transcript NM_000026.4 (MANE Select); 3 bases into the intron before coding-DNA position 793, C replaced by T.
Molecular consequence: intron variant.
Genome position (GRCh38, 1-based): chr22:40,361,270, C>T. VCF-style: chr22-40361270-C-T. GRCh37 (hg19) VCF-style: chr22-40757274-C-T.
Other names: c.793-3C>T (NM_001363840.3, NM_001123378.3); c.601-3C>T (NM_001317923.2).
Identifiers: ClinVar variation 844128 (VCV000844128.7), dbSNP rs2044774129, ClinGen allele CA916083824.

ClinVar aggregate classification (germline): Uncertain significance (1 of 4 stars; one submission).

Conditions:
Adenylosuccinate lyase deficiency (ADSLD). Also called: ADSL DEFICIENCY. Identifiers: Orphanet 46, MedGen C0268126, MONDO:0007068, OMIM 103050.

Submission:

Labcorp Genetics (formerly Invitae), Labcorp
Classification: Uncertain significance for Adenylosuccinate lyase deficiency. Last evaluated: 2022-06-13. Review status: criteria provided, single submitter. Criteria: Invitae Variant Classification Sherloc (09022015). Collection method: clinical testing. Allele origin: germline.
Comment: In summary, the available evidence is currently insufficient to determine the role of this variant in disease. Therefore, it has been classified as a Variant of Uncertain Significance. Variants that disrupt the consensus splice site are a relatively common cause of aberrant splicing (PMID: 17576681, 9536098). Algorithms developed to predict the effect of sequence changes on RNA splicing suggest that this variant is not likely to affect RNA splicing. ClinVar contains an entry for this variant (Variation ID: 844128). This variant has not been reported in the literature in individuals affected with ADSL-related conditions. This variant is not present in population databases (gnomAD no frequency). This sequence change falls in intron 7 of the ADSL gene. It does not directly change the encoded amino acid sequence of the ADSL protein. It affects a nucleotide within the consensus splice site.

Literature cited by the submitters: PubMed 17576681; PubMed 9536098.